The following is an entry in ClinVar:

ClinVar aggregate classification (germline): Uncertain significance (1 of 4 stars; one submission).

Submission:

GeneDx
Classification: Uncertain significance. Last evaluated: 2019-09-12. Review status: criteria provided, single submitter. Criteria: GeneDx Variant Classification Process June 2021. Collection method: clinical testing. Allele origin: germline. Affected: yes.
Comment: Not observed in large population cohorts (Lek et al., 2016); In silico analysis, which includes protein predictors and evolutionary conservation, supports that this variant does not alter protein structure/function; Has not been previously published as pathogenic or benign to our knowledge

NM_001376.5(DYNC1H1):c.3811C>A (p.Leu1271Ile)

Gene: DYNC1H1 (dynein cytoplasmic 1 heavy chain 1; plus strand). Cytogenetic location: 14q32.31.
Variant type: single nucleotide variant.
Coding change: c.3811C>A on transcript NM_001376.5 (MANE Select); coding-DNA position 3811, C replaced by A.
Protein change: p.Leu1271Ile; replaces leucine 1271 with isoleucine.
Molecular consequence: missense variant.
Genome position (GRCh38, 1-based): chr14:101,999,995, C>A. VCF-style: chr14-101999995-C-A. GRCh37 (hg19) VCF-style: chr14-102466332-C-A.
Other names: short protein forms L1271I.
Identifiers: ClinVar variation 1312174 (VCV001312174.2), dbSNP rs2048111759, ClinGen allele CA391038033.